The following is an entry in ClinVar:

NM_001170629.2(CHD8):c.7255G>A (p.Ala2419Thr)

Gene: CHD8 (chromodomain helicase DNA binding protein 8; minus strand). Cytogenetic location: 14q11.2.
Variant type: single nucleotide variant.
Coding change: c.7255G>A on transcript NM_001170629.2 (MANE Select); coding-DNA position 7255, G replaced by A.
Protein change: p.Ala2419Thr; replaces alanine 2419 with threonine.
Molecular consequence: missense variant.
Genome position (GRCh38, 1-based): chr14:21,386,104, C>T on the plus strand (G>A on the coding strand, the complement: CHD8 is on the minus strand). VCF-style: chr14-21386104-C-T. GRCh37 (hg19) VCF-style: chr14-21854263-C-T.
Other names: c.6418G>A, p.Ala2140Thr (NM_020920.4); short protein forms A2419T, A2140T.
Identifiers: ClinVar variation 1983044 (VCV001983044.5), dbSNP rs900946362, ClinGen allele CA257584928.

ClinVar aggregate classification (germline): Uncertain significance. Review status: criteria provided, multiple submitters, no conflicts (2 of 4 stars). 2 submissions from 2 submitters: Uncertain significance (2). Last evaluated 2022-07-14.

Conditions:
Inborn genetic diseases. Identifiers: MedGen C0950123, MeSH D030342.

Allele frequency attached by ClinVar (database versions not stated): TOPMed 0.00001.
gnomAD v4.1: 3 of 1,557,598 alleles (0.00019%); highest among the groups gnomAD compares: African/African-American, 0.0027%; no homozygotes.

Submissions (2):

Labcorp Genetics (formerly Invitae), Labcorp
Classification: Uncertain significance. Last evaluated: 2022-07-14. Review status: criteria provided, single submitter. Criteria: Invitae Variant Classification Sherloc (09022015). Collection method: clinical testing. Allele origin: germline.
Comment: This sequence change replaces alanine, which is neutral and non-polar, with threonine, which is neutral and polar, at codon 2419 of the CHD8 protein (p.Ala2419Thr). This variant is not present in population databases (gnomAD no frequency). In summary, the available evidence is currently insufficient to determine the role of this variant in disease. Therefore, it has been classified as a Variant of Uncertain Significance. Algorithms developed to predict the effect of missense changes on protein structure and function (SIFT, PolyPhen-2, Align-GVGD) all suggest that this variant is likely to be tolerated. This variant has not been reported in the literature in individuals affected with CHD8-related conditions.

Ambry Genetics
Classification: Uncertain significance for Inborn genetic diseases. Last evaluated: 2022-03-28. Review status: criteria provided, single submitter. Criteria: Ambry Variant Classification Scheme 2023. Collection method: clinical testing. Allele origin: germline.